The following is an entry in ClinVar:

NM_001130009.3(GEN1):c.563A>G (p.Lys188Arg)

Gene: GEN1 (GEN1 Holliday junction 5' flap endonuclease; plus strand). Cytogenetic location: 2p24.2.
Variant type: single nucleotide variant.
Coding change: c.563A>G on transcript NM_001130009.3 (MANE Select); coding-DNA position 563, A replaced by G.
Protein change: p.Lys188Arg; replaces lysine 188 with arginine.
Molecular consequence: missense variant.
Genome position (GRCh38, 1-based): chr2:17,766,616, A>G. VCF-style: chr2-17766616-A-G. GRCh37 (hg19) VCF-style: chr2-17947883-A-G.
Other names: c.563A>G, p.Lys188Arg (NM_182625.5); short protein forms K188R.
Identifiers: ClinVar variation 3853513 (VCV003853513.1).

ClinVar aggregate classification (germline): Uncertain significance (1 of 4 stars; one submission).

Submission:

Ambry Genetics
Classification: Uncertain significance. Last evaluated: 2025-01-16. Review status: criteria provided, single submitter. Criteria: Ambry Variant Classification Scheme 2023. Collection method: clinical testing. Allele origin: germline.
Comment: The p.K188R variant (also known as c.563A>G), located in coding exon 4 of the GEN1 gene, results from an A to G substitution at nucleotide position 563. The lysine at codon 188 is replaced by arginine, an amino acid with highly similar properties. This amino acid position is conserved. In addition, this alteration is predicted to be tolerated by in silico analysis. Based on the available evidence, the clinical significance of this variant remains unclear.